The following is an entry in ClinVar:

ClinVar aggregate classification (germline): Uncertain significance. Review status: criteria provided, multiple submitters, no conflicts (2 of 4 stars). 2 submissions from 2 submitters: Uncertain significance (2). Last evaluated 2026-05-14.

Conditions:
Cardiovascular phenotype. Identifiers: MedGen CN230736.
Distal myopathy with posterior leg and anterior hand involvement. Also called: WILLIAMS DISTAL MYOPATHY. Identifiers: Orphanet 63273, MedGen C3279722, MONDO:0013550, OMIM 614065.
Hypertrophic cardiomyopathy 26. Also called: Cardiomyopathy, familial hypertrophic, 26. Identifiers: Orphanet 75249, MedGen C4310749, MONDO:0014883, OMIM 617047.
Myofibrillar myopathy 5. Also called: Filaminopathy (type); FILAMINOPATHY, AUTOSOMAL DOMINANT. Identifiers: Orphanet 171445, MedGen C1836050, MONDO:0012289, OMIM 609524.

gnomAD v4.1: 1 of 1,614,200 alleles (0.000062%); highest among the groups gnomAD compares: Non-Finnish European, 0.000085%; no homozygotes.

Submissions (2):

Ambry Genetics
Classification: Uncertain significance for Cardiovascular phenotype. Last evaluated: 2026-05-14. Review status: criteria provided, single submitter. Criteria: Ambry Variant Classification Scheme 2023. Collection method: clinical testing. Allele origin: germline.
Comment: The p.P1709L variant (also known as c.5126C>T), located in coding exon 30 of the FLNC gene, results from a C to T substitution at nucleotide position 5126. The proline at codon 1709 is replaced by leucine, an amino acid with similar properties. This amino acid position is well conserved in available vertebrate species. In addition, the in silico prediction for this alteration is inconclusive. Based on the available evidence, the clinical significance of this variant remains unclear.

Labcorp Genetics (formerly Invitae), Labcorp
Classification: Uncertain significance for Distal myopathy with posterior leg and anterior hand involvement; Myofibrillar myopathy 5; Hypertrophic cardiomyopathy 26. Last evaluated: 2024-06-19. Review status: criteria provided, single submitter. Criteria: Invitae Variant Classification Sherloc (09022015). Collection method: clinical testing. Allele origin: germline.
Comment: This sequence change replaces proline, which is neutral and non-polar, with leucine, which is neutral and non-polar, at codon 1709 of the FLNC protein (p.Pro1709Leu). This variant is present in population databases (no rsID available, gnomAD 0.0009%). This variant has not been reported in the literature in individuals affected with FLNC-related conditions. Advanced modeling of protein sequence and biophysical properties (such as structural, functional, and spatial information, amino acid conservation, physicochemical variation, residue mobility, and thermodynamic stability) has been performed at Invitae for this missense variant, however the output from this modeling did not meet the statistical confidence thresholds required to predict the impact of this variant on FLNC protein function. In summary, the available evidence is currently insufficient to determine the role of this variant in disease. Therefore, it has been classified as a Variant of Uncertain Significance.

NM_001458.5(FLNC):c.5126C>T (p.Pro1709Leu)

Gene: FLNC (filamin C; plus strand). Cytogenetic location: 7q32.1.
Variant type: single nucleotide variant.
Coding change: c.5126C>T on transcript NM_001458.5 (MANE Select); coding-DNA position 5126, C replaced by T.
Protein change: p.Pro1709Leu; replaces proline 1709 with leucine.
Molecular consequence: missense variant.
Genome position (GRCh38, 1-based): chr7:128,849,505, C>T. VCF-style: chr7-128849505-C-T. GRCh37 (hg19) VCF-style: chr7-128489559-C-T.
Other names: c.5126C>T, p.Pro1709Leu (NM_001127487.2); short protein forms P1709L.
Identifiers: ClinVar variation 3761418 (VCV003761418.3).